The following is an entry in ClinVar:

ClinVar aggregate classification (germline): Uncertain significance (1 of 4 stars; one submission).

Conditions:
SEMA3E-related disorder. Also called: SEMA3E-related condition.

Submission:

PreventionGenetics, part of Exact Sciences
Classification: Uncertain significance for SEMA3E-related condition. Last evaluated: 2025-07-21. Review status: criteria provided, single submitter. Criteria: ACMG Guidelines, 2015. Collection method: clinical testing. Allele origin: germline.
Comment: The SEMA3E c.1127A>C variant is predicted to result in the amino acid substitution p.Tyr376Ser. To our knowledge, this variant has not been reported in the literature or in a large population database (gnomAD), indicating this variant is rare. At this time, the clinical significance of this variant is uncertain due to the absence of conclusive functional and genetic evidence.

NM_012431.3(SEMA3E):c.1127A>C (p.Tyr376Ser)

Gene: SEMA3E (semaphorin 3E; minus strand). Cytogenetic location: 7q21.11.
Variant type: single nucleotide variant.
Coding change: c.1127A>C on transcript NM_012431.3 (MANE Select); coding-DNA position 1127, A replaced by C.
Protein change: p.Tyr376Ser; replaces tyrosine 376 with serine.
Molecular consequence: missense variant.
Genome position (GRCh38, 1-based): chr7:83,402,648, T>G on the plus strand (A>C on the coding strand, the complement: SEMA3E is on the minus strand). VCF-style: chr7-83402648-T-G. GRCh37 (hg19) VCF-style: chr7-83031964-T-G.
Other names: c.947A>C, p.Tyr316Ser (NM_001178129.2); short protein forms Y316S, Y376S.
Identifiers: ClinVar variation 4997383 (VCV004997383.1).